The following is an entry in ClinVar:

ClinVar aggregate classification (germline): Conflicting classifications of pathogenicity. Review status: criteria provided, conflicting classifications (1 of 4 stars). 4 submissions from 4 submitters: Uncertain significance (3); Benign (1). Last evaluated 2025-09-22.

Conditions:
Hereditary cancer-predisposing syndrome. Also called: Tumor predisposition; Neoplastic Syndromes, Hereditary; Hereditary Cancer Syndrome; Hereditary neoplastic syndrome. Identifiers: Orphanet 140162, MedGen C0027672, MeSH D009386, MONDO:0015356.
Tuberous sclerosis 2 (TSC2). Identifiers: Orphanet 805, MedGen C1860707, MONDO:0013199, OMIM 613254.

gnomAD v4.1: 1 of 1,613,554 alleles (0.000062%); no homozygotes.

Submissions (4):

Labcorp Genetics (formerly Invitae), Labcorp
Classification: Benign for Tuberous sclerosis 2. Last evaluated: 2025-09-22. Review status: criteria provided, single submitter. Criteria: Invitae Variant Classification Sherloc (09022015). Collection method: clinical testing. Allele origin: germline.

Ambry Genetics
Classification: Uncertain significance for Hereditary cancer-predisposing syndrome. Last evaluated: 2025-06-01. Review status: criteria provided, single submitter. Criteria: Ambry Variant Classification Scheme 2023. Collection method: clinical testing. Allele origin: germline.
Comment: The p.N778D variant (also known as c.2332A>G), located in coding exon 20 of the TSC2 gene, results from an A to G substitution at nucleotide position 2332. The asparagine at codon 778 is replaced by aspartic acid, an amino acid with highly similar properties. This variant was not reported in population based cohorts in the following databases: Database of Single Nucleotide Polymorphisms (dbSNP), NHLBI Exome Sequencing Project (ESP), and 1000 Genomes Project. In the ESP, this variant was not observed in 6498 samples (12996 alleles) with coverage at this position. To date, this alteration has been detected with an allele frequency of approximately 0.006% (greater than 20000 alleles tested) in our clinical cohort. This amino acid position is not well conserved in available vertebrate species. In addition, the in silico prediction for this alteration is inconclusive. Since supporting evidence is limited at this time, the clinical significance of this alteration remains unclear.

Genome-Nilou Lab
Classification: Uncertain significance for Tuberous sclerosis 2. Last evaluated: 2021-11-07. Review status: criteria provided, single submitter. Criteria: ACMG Guidelines, 2015. Collection method: clinical testing. Allele origin: germline. Affected: no.

Sema4
Classification: Uncertain significance for Hereditary cancer-predisposing syndrome. Last evaluated: 2021-10-22. Review status: criteria provided, single submitter. Criteria: Sema4 Curation Guidelines. Collection method: curation. Allele origin: germline.
Comment: The TSC2 c.2332A>G (p.N778D) variant has not been reported in the literature to our knowledge. It was not observed in the large and broad cohorts of the Genome Aggregation Database (PMID: 32461654), but has been reported in ClinVar (Variation ID 406045). Functional studies have not been performed, and in silico predictions of the variant's effect on protein function are inconclusive. The evidence is insufficient to meet ACMG/AMP criteria for classifying the variant as benign or pathogenic. Thus, the clinical significance of this variant is currently uncertain.

NM_000548.5(TSC2):c.2332A>G (p.Asn778Asp)

Gene: TSC2 (TSC complex subunit 2; plus strand). Cytogenetic location: 16p13.3.
Variant type: single nucleotide variant.
Coding change: c.2332A>G on transcript NM_000548.5 (MANE Select); coding-DNA position 2332, A replaced by G.
Protein change: p.Asn778Asp; replaces asparagine 778 with aspartic acid.
Molecular consequence: missense variant.
Genome position (GRCh38, 1-based): chr16:2,072,960, A>G. VCF-style: chr16-2072960-A-G. GRCh37 (hg19) VCF-style: chr16-2122961-A-G.
Other names: c.2332A>G, p.Asn778Asp (NM_001077183.3, NM_001114382.3, NM_001363528.2 and 3 more transcripts); c.2221A>G, p.Asn741Asp (NM_001318827.2); c.2185A>G, p.Asn729Asp (NM_001318829.2); c.1732A>G, p.Asn578Asp (NM_001318831.2); c.2365A>G, p.Asn789Asp (NM_001318832.2); short protein forms N778D, N729D, N741D, N789D, N578D.
Identifiers: ClinVar variation 406045 (VCV000406045.19), dbSNP rs1060500946, ClinGen allele CA16614946.